The following is an entry in ClinVar:

ClinVar aggregate classification (germline): Uncertain significance. Review status: criteria provided, multiple submitters, no conflicts (2 of 4 stars). 2 submissions from 2 submitters: Uncertain significance (2). Last evaluated 2025-03-31.

Conditions:
Inborn genetic diseases. Identifiers: MedGen C0950123, MeSH D030342.

gnomAD v4.1: 2 of 1,613,622 alleles (0.00012%); highest among the groups gnomAD compares: Non-Finnish European, 0.00017%; no homozygotes.

Submissions (2):

Ambry Genetics
Classification: Uncertain significance for Inborn genetic diseases. Last evaluated: 2025-03-31. Review status: criteria provided, single submitter. Criteria: Ambry Variant Classification Scheme 2023. Collection method: clinical testing. Allele origin: germline.

Labcorp Genetics (formerly Invitae), Labcorp
Classification: Uncertain significance. Last evaluated: 2022-02-25. Review status: criteria provided, single submitter. Criteria: Invitae Variant Classification Sherloc (09022015). Collection method: clinical testing. Allele origin: germline.
Comment: This sequence change replaces serine, which is neutral and polar, with cysteine, which is neutral and slightly polar, at codon 2246 of the PCLO protein (p.Ser2246Cys). This variant is not present in population databases (gnomAD no frequency). This variant has not been reported in the literature in individuals affected with PCLO-related conditions. Algorithms developed to predict the effect of missense changes on protein structure and function are either unavailable or do not agree on the potential impact of this missense change (SIFT: "Tolerated"; PolyPhen-2: "Not Available"; Align-GVGD: "Class C0"). In summary, the available evidence is currently insufficient to determine the role of this variant in disease. Therefore, it has been classified as a Variant of Uncertain Significance.

NM_033026.6(PCLO):c.6737C>G (p.Ser2246Cys)

Gene: PCLO (piccolo presynaptic cytomatrix protein; minus strand). Cytogenetic location: 7q21.11.
Variant type: single nucleotide variant.
Coding change: c.6737C>G on transcript NM_033026.6 (MANE Select); coding-DNA position 6737, C replaced by G.
Protein change: p.Ser2246Cys; replaces serine 2246 with cysteine.
Molecular consequence: missense variant.
Genome position (GRCh38, 1-based): chr7:82,954,216, G>C on the plus strand (C>G on the coding strand, the complement: PCLO is on the minus strand). VCF-style: chr7-82954216-G-C. GRCh37 (hg19) VCF-style: chr7-82583532-G-C.
Other names: c.6737C>G, p.Ser2246Cys (NM_014510.3); c.6737C>G (NM_033026.5); short protein forms S2246C.
Identifiers: ClinVar variation 1487545 (VCV001487545.6), dbSNP rs1795447104, ClinGen allele CA367918449.